The following is an entry in ClinVar:

ClinVar aggregate classification (somatic clinical impact): Tier I - Strong (1 of 4 stars; one submission).

Conditions:
Precursor B-cell acute lymphoblastic leukemia. Also called: B Acute Lymphoblastic Leukemia; Pre-B-cell acute lymphoblastic leukemia. Identifiers: Orphanet 99860, MedGen C0349636, MONDO:0020511, HP:0004812.

Submission:

Institute for Genomic Medicine (IGM) Clinical Laboratory, Nationwide Children's Hospital
Classification: Tier I - Strong for Precursor B-cell acute lymphoblastic leukemia. Assertion type: diagnostic. Clinical significance: supports diagnosis. Last evaluated: 2024-04-24. Review status: criteria provided, single submitter. Criteria: AMP/ASCO/CAP Guidelines, 2017. Collection method: clinical testing. Allele origin: somatic. Affected: yes.
Comment: Variant has Tier I (strong) clinical significance as a diagnostic inclusion criterion in precursor B-cell acute lymphoblastic leukemia, based on the following evidence: 1) Documented in one or more cancer databases (e.g., St. Jude Pecan, COSMIC, CIViC, OncoKB). 2) Appears in one or more well-established professional guidelines (e.g., World Health Organization [WHO]; National Comprehensive Cancer Network [NCCN]) as providing diagnostic, prognostic, or therapeutic information. 3) Information in the literature supports potential biologic effect of variant (PMIDs: 23748007, 23452118). 4) Diagnostic for a specific tumor type/classification based on well-powered studies with expert-level consensus (Evidence Level B; PMIDs: 19470474, 27561722, 22897847, 28557976, 29163799, 18805579).

Literature cited by the submitters: PubMed 23748007; PubMed 23452118; PubMed 19470474; PubMed 27561722; PubMed 22897847; PubMed 28557976; PubMed 29163799; PubMed 18805579.

NM_004972.4(JAK2):c.2049A>T (p.Arg683Ser)

Genes: INSL6 (insulin like 6; minus strand), JAK2 (Janus kinase 2; plus strand). Cytogenetic location: 9p24.1.
Variant type: single nucleotide variant.
Coding change: c.2049A>T on transcript NM_004972.4 (MANE Select); coding-DNA position 2049, A replaced by T.
Protein change: p.Arg683Ser; replaces arginine 683 with serine.
Molecular consequence: missense variant. On other transcripts: non-coding transcript variant (2).
Genome position (GRCh38, 1-based): chr9:5,078,362, A>T. VCF-style: chr9-5078362-A-T. GRCh37 (hg19) VCF-style: chr9-5078362-A-T.
Other names: c.1602A>T, p.Arg534Ser (NM_001322204.2); c.2049A>T, p.Arg683Ser (NM_001322194.2, NM_001322195.2, NM_001322196.2); c.834A>T, p.Arg278Ser (NM_001322198.2, NM_001322199.2); short protein forms R683S, R278S, R534S.
Identifiers: ClinVar variation 4530519 (VCV004530519.1), dbSNP rs1057519723.